The following is an entry in ClinVar:

ClinVar aggregate classification (germline): Uncertain significance (1 of 4 stars; one submission).

Conditions:
Peutz-Jeghers syndrome (PJS). Also called: Peutz-Jeghers polyposis; Periorificial lentiginosis syndrome; POLYPOSIS, HAMARTOMATOUS INTESTINAL; POLYPS-AND-SPOTS SYNDROME. Identifiers: Orphanet 2869, MedGen C0031269, MeSH D010580, MONDO:0008280, OMIM 175200.

Submission:

All of Us Research Program, National Institutes of Health
Classification: Uncertain significance for Peutz-Jeghers syndrome. Last evaluated: 2024-05-30. Review status: criteria provided, single submitter. Criteria: ACMG Guidelines, 2015. Collection method: clinical testing. Allele origin: germline. Inheritance: Autosomal dominant inheritance. Observed: 1 variant allele, 1 heterozygote.
Comment: This missense variant replaces leucine with phenylalanine at codon 105 of the STK11 protein. Computational prediction is inconclusive regarding the impact of this variant on protein structure and function (internally defined REVEL score threshold 0.5 < inconclusive < 0.7, PMID: 27666373). To our knowledge, functional studies have not been reported for this variant. This variant has not been reported in individuals affected with STK11-related disorders in the literature. This variant has not been identified in the general population by the Genome Aggregation Database (gnomAD). The available evidence is insufficient to determine the role of this variant in disease conclusively. Therefore, this variant is classified as a Variant of Uncertain Significance.

This study involves interpretation of variants in research participants for the purpose of population health screening. Participant phenotype was not available at the time of variant classification. Additional details can be found in publication PMID: 35346344, PMCID: PMC8962531

NM_000455.5(STK11):c.315A>C (p.Leu105Phe)

Gene: STK11 (serine/threonine kinase 11; plus strand). Cytogenetic location: 19p13.3.
Variant type: single nucleotide variant.
Coding change: c.315A>C on transcript NM_000455.5 (MANE Select); coding-DNA position 315, A replaced by C.
Protein change: p.Leu105Phe; replaces leucine 105 with phenylalanine.
Molecular consequence: missense variant. On other transcripts: non-coding transcript variant (1).
Genome position (GRCh38, 1-based): chr19:1,218,441, A>C. VCF-style: chr19-1218441-A-C. GRCh37 (hg19) VCF-style: chr19-1218440-A-C.
Other names: c.315A>C, p.Leu105Phe (NM_001407255.1); short protein forms L105F.
Identifiers: ClinVar variation 3386032 (VCV003386032.1).